The following is an entry in ClinVar:

ClinVar aggregate classification (germline): Uncertain significance (1 of 4 stars; one submission).

Conditions:
Cornelia de Lange syndrome 3 (CDLS3). Also called: CORNELIA DE LANGE SYNDROME 3 WITH OR WITHOUT MIDLINE BRAIN DEFECTS; SMC3-Related Cornelia de Lange Syndrome. Identifiers: Orphanet 199, MedGen C1853099, MONDO:0012555, OMIM 610759.

Submission:

Institute of Human Genetics, University of Goettingen
Classification: Uncertain significance for Cornelia de Lange syndrome 3. Last evaluated: 2020-10-29. Review status: criteria provided, single submitter. Criteria: ACMG Guidelines, 2015. Collection method: clinical testing. Allele origin: unknown. Inheritance: Autosomal dominant inheritance. Observed: 1 heterozygote.
Comment: The variant c.662G>A (p.(Arg221Gln)) in exon 9 of the SMC3-gene is not found in known databases (ExAC or gnomAD), it affects a highly conserved nucleotide, a highly conserved amino acid and there is a small physicochemical difference between Arg and Gln. This variant is located within the protein domain "RecF/RecN/SMC" (InterPro: IPR003395) and has a pathogenic computational verdict based on 13 pathogenic predictions from BayesDel_addAF, DANN, EIGEN, FATHMM-MKL, LIST-S2, M-CAP, MVP, MutationAssessor, MutationTaster, PrimateAI, PolyPhen-2, REVEL and SIFT vs 1 benign prediction from DEOGEN2 ACMG criteria used for classification: PM2, PP3, PP2.

NM_005445.4(SMC3):c.662G>A (p.Arg221Gln)

Gene: SMC3 (structural maintenance of chromosomes 3; plus strand). Cytogenetic location: 10q25.2.
Variant type: single nucleotide variant.
Coding change: c.662G>A on transcript NM_005445.4 (MANE Select); coding-DNA position 662, G replaced by A.
Protein change: p.Arg221Gln; replaces arginine 221 with glutamine.
Molecular consequence: missense variant.
Genome position (GRCh38, 1-based): chr10:110,582,037, G>A. VCF-style: chr10-110582037-G-A. GRCh37 (hg19) VCF-style: chr10-112341795-G-A.
Other names: short protein forms R221Q.
Identifiers: ClinVar variation 983226 (VCV000983226.3), dbSNP rs1861038686, ClinGen allele CA378376439.